The following is an entry in ClinVar:

ClinVar aggregate classification (germline): Uncertain significance. Review status: criteria provided, multiple submitters, no conflicts (2 of 4 stars). 2 submissions from 2 submitters: Uncertain significance (2). Last evaluated 2025-12-16.

Conditions:
Cerebral arteriopathy, autosomal dominant, with subcortical infarcts and leukoencephalopathy, type 2 (CADASIL2). Identifiers: MedGen C4225211, MONDO:0014768, OMIM 616779.

gnomAD v4.1: 1 of 1,611,660 alleles (0.000062%); highest among the groups gnomAD compares: Non-Finnish European, 0.000085%; no homozygotes.

Submissions (2):

Labcorp Genetics (formerly Invitae), Labcorp
Classification: Uncertain significance. Last evaluated: 2025-12-16. Review status: criteria provided, single submitter. Criteria: Invitae Variant Classification Sherloc (09022015). Collection method: clinical testing. Allele origin: germline.
Comment: This sequence change replaces serine, which is neutral and polar, with leucine, which is neutral and non-polar, at codon 328 of the HTRA1 protein (p.Ser328Leu). This variant is not present in population databases (gnomAD no frequency). This missense change has been observed in individual(s) with Cerebral arteriopathy with subcortical infarcts and leukoencephalopathy 1 (CADASIL) (PMID: 36380532). ClinVar contains an entry for this variant (Variation ID: 1296998). Invitae Evidence Modeling of protein sequence and biophysical properties (such as structural, functional, and spatial information, amino acid conservation, physicochemical variation, residue mobility, and thermodynamic stability) indicates that this missense variant is expected to disrupt HTRA1 protein function with a positive predictive value of 95%. Experimental studies have shown that this missense change affects HTRA1 function (PMID: 39196222). In summary, the available evidence is currently insufficient to determine the role of this variant in disease. Therefore, it has been classified as a Variant of Uncertain Significance.

Institute of Human Genetics, University of Leipzig Medical Center
Classification: Uncertain significance for Cerebral arteriopathy, autosomal dominant, with subcortical infarcts and leukoencephalopathy, type 2. Last evaluated: 2021-08-23. Review status: criteria provided, single submitter. Criteria: ACMG Guidelines, 2015. Collection method: clinical testing. Allele origin: unknown. Affected: yes.

Literature cited by the submitters: PubMed 36380532 (cited by Labcorp Genetics (formerly Invitae), Labcorp); PubMed 39196222 (cited by Labcorp Genetics (formerly Invitae), Labcorp).

NM_002775.5(HTRA1):c.983C>T (p.Ser328Leu)

Gene: HTRA1 (HtrA serine peptidase 1; plus strand). Cytogenetic location: 10q26.13.
Variant type: single nucleotide variant.
Coding change: c.983C>T on transcript NM_002775.5 (MANE Select); coding-DNA position 983, C replaced by T.
Protein change: p.Ser328Leu; replaces serine 328 with leucine.
Molecular consequence: missense variant.
Genome position (GRCh38, 1-based): chr10:122,507,380, C>T. VCF-style: chr10-122507380-C-T. GRCh37 (hg19) VCF-style: chr10-124266896-C-T.
Other names: short protein forms S328L.
Identifiers: ClinVar variation 1296998 (VCV001296998.2), dbSNP rs2133449911, ClinGen allele CA378585921.